The following is an entry in ClinVar:

ClinVar aggregate classification (germline): Uncertain significance (1 of 4 stars; one submission).

gnomAD v4.1: 6 of 1,614,120 alleles (0.00037%); highest among the groups gnomAD compares: Admixed American, 0.0067%; no homozygotes.

Submission:

GeneDx
Classification: Uncertain significance. Last evaluated: 2024-01-25. Review status: criteria provided, single submitter. Criteria: GeneDx Variant Classification Process June 2021. Collection method: clinical testing. Allele origin: germline. Affected: yes.
Comment: In silico analysis supports that this missense variant has a deleterious effect on protein structure/function; Has not been previously published as pathogenic or benign to our knowledge

NM_006618.5(KDM5B):c.3320A>C (p.Lys1107Thr)

Gene: KDM5B (lysine demethylase 5B; minus strand). Cytogenetic location: 1q32.1.
Variant type: single nucleotide variant.
Coding change: c.3320A>C on transcript NM_006618.5 (MANE Select); coding-DNA position 3320, A replaced by C.
Protein change: p.Lys1107Thr; replaces lysine 1107 with threonine.
Molecular consequence: missense variant.
Genome position (GRCh38, 1-based): chr1:202,735,532, T>G on the plus strand (A>C on the coding strand, the complement: KDM5B is on the minus strand). VCF-style: chr1-202735532-T-G. GRCh37 (hg19) VCF-style: chr1-202704660-T-G.
Other names: c.3428A>C, p.Lys1143Thr (NM_001314042.2); c.3185A>C, p.Lys1062Thr (NM_001347591.2); c.3305A>C, p.Lys1102Thr (NM_001399817.1); short protein forms K1062T, K1102T, K1107T, K1143T.
Identifiers: ClinVar variation 3368198 (VCV003368198.1).
Genomic context (GRCh38, chr1:202,735,532, plus strand): 5'-TCACTCAGACTCTCTAATTTGGTGCTTTTTTTCTTTCCATTTGGCAAGGGCTCCTTTAAC[T>G]TTCTCTGCTTCCTTTTCAATCCCAAAAGGCCAATATCACATCGAGGACACAGCACCTAAT-3'
Protein context (NP_006609.3, residues 1097-1117): GLLGLKRKQR[Lys1107Thr]LKEPLPNGKK